The following is an entry in ClinVar:

NM_013275.6(ANKRD11):c.37G>A (p.Glu13Lys)

Gene: ANKRD11 (ankyrin repeat domain 11; minus strand). Cytogenetic location: 16q24.3.
Variant type: single nucleotide variant.
Coding change: c.37G>A on transcript NM_013275.6 (MANE Select); coding-DNA position 37, G replaced by A.
Protein change: p.Glu13Lys; replaces glutamic acid 13 with lysine.
Molecular consequence: missense variant. On other transcripts: non-coding transcript variant (1).
Genome position (GRCh38, 1-based): chr16:89,316,983, C>T on the plus strand (G>A on the coding strand, the complement: ANKRD11 is on the minus strand). VCF-style: chr16-89316983-C-T. GRCh37 (hg19) VCF-style: chr16-89383391-C-T.
Other names: c.37G>A, p.Glu13Lys (NM_001256182.2, NM_001256183.2); short protein forms E13K.
Identifiers: ClinVar variation 3069074 (VCV003069074.3), dbSNP rs1158221782, ClinGen allele CA397166789.

ClinVar aggregate classification (germline): Uncertain significance (1 of 4 stars; one submission).

Allele frequency attached by ClinVar (database versions not stated): TOPMed below 0.00001; gnomAD 0.00001; gnomAD exomes 0.00001.
gnomAD v4.1: 9 of 1,613,830 alleles (0.00056%); highest among the groups gnomAD compares: African/African-American, 0.004%; no homozygotes.

Submission:

Women's Health and Genetics/Laboratory Corporation of America, LabCorp
Classification: Uncertain significance. Last evaluated: 2025-11-13. Review status: criteria provided, single submitter. Criteria: LabCorp Variant Classification Summary - May 2015. Collection method: clinical testing. Allele origin: germline.
Comment: Variant summary: ANKRD11 c.37G>A (p.Glu13Lys) results in a conservative amino acid change in the encoded protein sequence. Algorithms developed to predict the effect of missense changes on protein structure and function are either unavailable or do not agree on the potential impact of this missense change. The variant was absent in 250470 control chromosomes. The available data on variant occurrences in the general population are insufficient to allow any conclusion about variant significance. To our knowledge, no occurrence of c.37G>A in individuals affected with ANKRD11-related conditions and no experimental evidence demonstrating its impact on protein function have been reported. ClinVar contains an entry for this variant (Variation ID: 3069074). Based on the evidence outlined above, the variant was classified as uncertain significance.